The following is an entry in ClinVar:

NM_015915.5(ATL1):c.574C>T (p.Leu192Phe)

Gene: ATL1 (atlastin GTPase 1; plus strand). Cytogenetic location: 14q22.1.
Variant type: single nucleotide variant.
Coding change: c.574C>T on transcript NM_015915.5 (MANE Select); coding-DNA position 574, C replaced by T.
Protein change: p.Leu192Phe; replaces leucine 192 with phenylalanine.
Molecular consequence: missense variant.
Genome position (GRCh38, 1-based): chr14:50,595,576, C>T. VCF-style: chr14-50595576-C-T. GRCh37 (hg19) VCF-style: chr14-51062294-C-T.
Other names: c.574C>T, p.Leu192Phe (NM_001127713.1, NM_181598.4); short protein forms L192F.
Identifiers: ClinVar variation 974835 (VCV000974835.4), dbSNP rs2039208042, ClinGen allele CA389668808.

ClinVar aggregate classification (germline): Conflicting classifications of pathogenicity. Review status: criteria provided, conflicting classifications (1 of 4 stars). 4 submissions from 4 submitters: Likely pathogenic (3); Uncertain significance (1). Last evaluated 2025-12-15.

Conditions:
Inborn genetic diseases. Identifiers: MedGen C0950123, MeSH D030342.
Hereditary spastic paraplegia 3A (SPG3A). Also called: Spastic paraplegia 3A, autosomal dominant; SPASTIC PARAPLEGIA 3, AUTOSOMAL DOMINANT; FAMILIAL SPASTIC PARAPLEGIA, AUTOSOMAL DOMINANT, 1; SPG3; STRUMPELL DISEASE; Spastic Paraplegia 3A. Identifiers: Orphanet 100984, MedGen C2931355, MONDO:0008437, OMIM 182600.

Submissions (4):

Ambry Genetics
Classification: Uncertain significance for Inborn genetic diseases. Last evaluated: 2025-12-15. Review status: criteria provided, single submitter. Criteria: Ambry Variant Classification Scheme 2023. Collection method: clinical testing. Allele origin: germline.
Comment: The c.574C>T (p.L192F) alteration is located in exon 6 (coding exon 6) of the ATL1 gene. This alteration results from a C to T substitution at nucleotide position 574, causing the leucine (L) at amino acid position 192 to be replaced by a phenylalanine (F). This variant was not reported in population-based cohorts in the Genome Aggregation Database (gnomAD). This variant was determined to be de novo in at least one individual with features consistent with ATL1-related spastic paraplegia (Bertoli-Avella, 2021; external communication). This missense alteration is located in a region that has a low rate of benign missense variation (Lek, 2016; Firth, 2009). This alteration is predicted to be deleterious by in silico analysis. Based on insufficient or conflicting evidence, the clinical significance of this alteration remains unclear.

GeneDx
Classification: Likely pathogenic. Last evaluated: 2025-04-18. Review status: criteria provided, single submitter. Criteria: GeneDx Variant Classification Process June 2021. Collection method: clinical testing. Allele origin: germline. Affected: yes.
Comment: Not observed at significant frequency in large population cohorts (gnomAD); In silico analysis supports that this missense variant has a deleterious effect on protein structure/function; This variant is associated with the following publications: (PMID: 23334294, 32860008)

Victorian Clinical Genetics Services, Murdoch Childrens Research Institute
Classification: Likely pathogenic for Hereditary spastic paraplegia 3A. Last evaluated: 2020-10-19. Review status: criteria provided, single submitter. Criteria: ACMG Guidelines, 2015. Collection method: clinical testing. Allele origin: germline. Inheritance: Autosomal dominant inheritance. Affected: yes.
Comment: Based on the classification scheme VCGS_Germline_v1.1.1, this variant is classified as likely pathogenic. Following criteria are met: 0102 - Loss-of-function is a known mechanism of disease for this gene. Homozygous mutations described in two consanguineous family indicate loss of function as a potential disease mechanism (PMID: 24473461, 26888483). (N) 0104 - Dominant Negative is a mechanism of disease for this gene. Mutant protein functionally impair the oligomer formation by binding to WT protein through a dominant negative mechanism (PMID: 16537571). (N) 0107 - This gene is known to be associated with autosomal dominant disease. (N) 0112 - Variants in this gene are known to have reduced penetrance. Reduced penetrance was previously reported in approximately 10% of HSP families (PMID: 28396731) (N) 0200 - Variant is predicted to result in a missense amino acid change from leucine to phenylalanine (exon 7 of 14). (N) 0251 - Variant is heterozygous. (N) 0301 - Variant is absent from gnomAD. (P) 0502 - Missense variant with conflicting in silico predictions and/or uninformative conservation. (N) 0600 - Variant is located in an annotated domain or motif (Guanylate-binding protein, N-terminal domain; PDB, NCBI). (N) 0602 - Variant is located in a hotspot region or cluster of pathogenic variants. More than 27.5% of the mutations are located in exon 7 (PMID: 16401858). However, not all missense variants in exon 7 are pathogneic. (P) 0705 - No comparable variants have previous evidence for pathogenicity. (N) 0807 - Variant has not previously been reported in a clinical context. (N) 0905 - No segregation evidence has been identified for this variant. (N) 1007 - No published functional evidence has been identified for this variant. (P) Legend: (P) - Pathogenic, (N) - Neutral, (B) - Benign

CENTOGENE GmbH and LLC - Guiding Precision Medicine
Classification: Likely pathogenic for Hereditary spastic paraplegia 3A. Review status: criteria provided, single submitter. Criteria: ACMG Guidelines, 2015. Collection method: clinical testing. Allele origin: de novo. Affected: yes.

Literature cited by the submitters: PubMed 32860008 (cited by Ambry Genetics and CENTOGENE GmbH and LLC - Guiding Precision Medicine); PubMed 16401858 (cited by Victorian Clinical Genetics Services, Murdoch Childrens Research Institute); PubMed 16537571 (cited by Victorian Clinical Genetics Services, Murdoch Childrens Research Institute); PubMed 24473461 (cited by Victorian Clinical Genetics Services, Murdoch Childrens Research Institute); PubMed 26888483 (cited by Victorian Clinical Genetics Services, Murdoch Childrens Research Institute); PubMed 28396731 (cited by Victorian Clinical Genetics Services, Murdoch Childrens Research Institute).